The following is an entry in ClinVar:

ClinVar aggregate classification (germline): Likely benign (1 of 4 stars; one submission).

Allele frequency attached by ClinVar (database versions not stated): TOPMed 0.00684; 1000 Genomes Project 0.00619.
gnomAD v4.1: 1,014 of 152,330 alleles (0.67%); highest among the groups gnomAD compares: African/African-American, 2.3%; 6 homozygotes.

Submission:

GeneDx
Classification: Likely benign. Last evaluated: 2018-06-16. Review status: criteria provided, single submitter. Criteria: GeneDx Variant Classification (06012015). Collection method: clinical testing. Allele origin: germline. Affected: yes.
Comment: This variant is considered likely benign or benign based on one or more of the following criteria: it is a conservative change, it occurs at a poorly conserved position in the protein, it is predicted to be benign by multiple in silico algorithms, and/or has population frequency not consistent with disease.

NM_004369.4(COL6A3):c.4901-255G>A

Gene: COL6A3 (collagen type VI alpha 3 chain; minus strand). Cytogenetic location: 2q37.3.
Variant type: single nucleotide variant.
Coding change: c.4901-255G>A on transcript NM_004369.4 (MANE Select); 255 bases into the intron before coding-DNA position 4901, G replaced by A.
Molecular consequence: intron variant.
Genome position (GRCh38, 1-based): chr2:237,367,541, C>T on the plus strand (G>A on the coding strand, the complement: COL6A3 is on the minus strand). VCF-style: chr2-237367541-C-T. GRCh37 (hg19) VCF-style: chr2-238276184-C-T.
Other names: c.3080-255G>A (NM_057166.5); c.4283-255G>A (NM_057167.4).
Identifiers: ClinVar variation 673582 (VCV000673582.1), dbSNP rs115360817, ClinGen allele CA67814950.